The following is an entry in ClinVar:

ClinVar aggregate classification (germline): Likely benign. Review status: criteria provided, multiple submitters, no conflicts (2 of 4 stars). 3 submissions from 3 submitters: Likely benign (3). Last evaluated 2024-11-11.

Conditions:
Malignant hyperthermia, susceptibility to, 1 (MHS1). Also called: Malignant hyperthermia suceptibility 1; Anesthesia related hyperthermia; Malignant hyperpyrexia; Fulminating hyperpyrexia; Pharmacogenic myopathy; RYR1-Related Malignant Hyperthermia Susceptibility. Identifiers: Orphanet 423, MedGen C2930980, MONDO:0007783, OMIM 145600.
RYR1-related disorder. Also called: RYR1-related disorders; RYR1-related condition. Identifiers: MedGen CN239331.

gnomAD v4.1: 6 of 1,482,480 alleles (0.0004%); highest among the groups gnomAD compares: Non-Finnish European, 0.00055%; no homozygotes.

Submissions (3):

Labcorp Genetics (formerly Invitae), Labcorp
Classification: Likely benign for RYR1-related disorder. Last evaluated: 2024-11-11. Review status: criteria provided, single submitter. Criteria: Invitae Variant Classification Sherloc (09022015). Collection method: clinical testing. Allele origin: germline.

All of Us Research Program, National Institutes of Health
Classification: Likely benign for Malignant hyperthermia, susceptibility to, 1. Last evaluated: 2024-07-29. Review status: criteria provided, single submitter. Criteria: ACMG Guidelines, 2015. Collection method: clinical testing. Allele origin: germline. Inheritance: Autosomal dominant inheritance. Observed: 1 variant allele, 1 heterozygote.
Comment: This study involves interpretation of variants in research participants for the purpose of population health screening. Participant phenotype was not available at the time of variant classification. Additional details can be found in publication PMID: 35346344, PMCID: PMC8962531

Color Diagnostics, LLC DBA Color Health
Classification: Likely benign for Malignant hyperthermia, susceptibility to, 1. Last evaluated: 2024-07-23. Review status: criteria provided, single submitter. Criteria: ACMG Guidelines, 2015. Collection method: clinical testing. Allele origin: germline.

NM_000540.3(RYR1):c.4410C>G (p.Val1470=)

Gene: RYR1 (ryanodine receptor 1; plus strand). Cytogenetic location: 19q13.2.
Variant type: single nucleotide variant.
Coding change: c.4410C>G on transcript NM_000540.3 (MANE Select); coding-DNA position 4410, C replaced by G.
Protein change: p.Val1470=; no amino-acid change (valine 1470 retained).
Molecular consequence: synonymous variant.
Genome position (GRCh38, 1-based): chr19:38,477,826, C>G. VCF-style: chr19-38477826-C-G. GRCh37 (hg19) VCF-style: chr19-38968466-C-G.
Other names: c.4410C>G, p.Val1470= (NM_001042723.2).
Identifiers: ClinVar variation 2918177 (VCV002918177.5), dbSNP rs750478395, ClinGen allele CA507236361.